The following is an entry in ClinVar:

ClinVar aggregate classification (germline): Likely benign (0 of 4 stars; one submission).

Conditions:
KMT5B-related disorder. Also called: KMT5B-related condition.

Allele frequency attached by ClinVar (database versions not stated): gnomAD exomes 0.00001; ExAC 0.00002; gnomAD 0.00003; TOPMed 0.00003.
gnomAD v4.1: 14 of 1,580,136 alleles (0.00089%); highest among the groups gnomAD compares: Non-Finnish European, 0.0012%; no homozygotes.

Submission:

PreventionGenetics, part of Exact Sciences
Classification: Likely benign for KMT5B-related condition. Last evaluated: 2019-06-12. Review status: no assertion criteria provided. Collection method: clinical testing. Allele origin: germline.
Comment: This variant is classified as likely benign based on ACMG/AMP sequence variant interpretation guidelines (Richards et al. 2015 PMID: 25741868, with internal and published modifications).

NM_017635.5(KMT5B):c.377+4G>A

Gene: KMT5B (lysine methyltransferase 5B; minus strand). Cytogenetic location: 11q13.2.
Variant type: single nucleotide variant.
Coding change: c.377+4G>A on transcript NM_017635.5 (MANE Select); 4 bases into the intron after coding-DNA position 377, G replaced by A.
Molecular consequence: intron variant. On other transcripts: 5 prime UTR variant (1).
Genome position (GRCh38, 1-based): chr11:68,180,128, C>T on the plus strand (G>A on the coding strand, the complement: KMT5B is on the minus strand). VCF-style: chr11-68180128-C-T. GRCh37 (hg19) VCF-style: chr11-67947595-C-T.
Other names: c.-798G>A (NM_001369433.1); c.-286-512G>A (NM_001369430.1); c.-291+4G>A (NM_001300908.2); c.-287+4G>A (NM_001369432.1, NM_001369431.1, NM_001369424.1); c.-501+4G>A (NM_001369428.1); c.-208+4G>A (NM_001300907.1); c.-140+4G>A (NM_001369429.1); c.377+4G>A (NM_001369426.1, NM_001363566.2, NM_001369427.1 and 1 more transcripts); and 2 more.
Identifiers: ClinVar variation 3034230 (VCV003034230.2), dbSNP rs567340978, ClinGen allele CA6148446.
Genomic context (GRCh38, chr11:68,180,128, plus strand): 5'-GAACATTTTAAAAGGCTAGAATGGGTTAGTCAGTATCTCATTGTTTTTAACACACACTAC[C>T]TACCTCACAGGGTTGTTGTGAGAAAAACTGTCAGATTTTGAAAAATGCCTTGAGCTCCTC-3'